The following is an entry in ClinVar:

NM_024079.5(ALG8):c.689G>A (p.Trp230Ter)

Gene: ALG8 (ALG8 alpha-1,3-glucosyltransferase; minus strand). Cytogenetic location: 11q14.1.
Variant type: single nucleotide variant.
Coding change: c.689G>A on transcript NM_024079.5 (MANE Select); coding-DNA position 689, G replaced by A.
Protein change: p.Trp230Ter; replaces tryptophan 230 with a stop codon.
Molecular consequence: nonsense. On other transcripts: non-coding transcript variant (2), intron variant (2).
Genome position (GRCh38, 1-based): chr11:78,113,974, C>T on the plus strand (G>A on the coding strand, the complement: ALG8 is on the minus strand). VCF-style: chr11-78113974-C-T. GRCh37 (hg19) VCF-style: chr11-77825020-C-T.
Other names: c.689G>A, p.Trp230Ter (NM_001007027.3, NM_001425221.1, NM_001425222.1 and 10 more transcripts); c.692G>A, p.Trp231Ter (NM_001425219.1); c.674G>A, p.Trp225Ter (NM_001425220.1); c.782G>A, p.Trp261Ter (NM_001425224.1); c.536G>A, p.Trp179Ter (NM_001425226.1, NM_001425235.1, NM_001425236.1); c.488G>A, p.Trp163Ter (NM_001425231.1); c.425G>A, p.Trp142Ter (NM_001425234.1, NM_001425239.1); c.173G>A, p.Trp58Ter (NM_001425241.1); and 3 more; short protein forms W231*, W261*, W45*, W58*, W163*, W179*, W142*, W225*.
Identifiers: ClinVar variation 4038361 (VCV004038361.1).

ClinVar aggregate classification (germline): Pathogenic (1 of 4 stars; one submission).

Conditions:
Inborn genetic diseases. Identifiers: MedGen C0950123, MeSH D030342.

Submission:

Ambry Genetics
Classification: Pathogenic for Inborn genetic diseases. Last evaluated: 2025-03-17. Review status: criteria provided, single submitter. Criteria: Ambry Variant Classification Scheme 2023. Collection method: clinical testing. Allele origin: germline.
Comment: The c.689G>A (p.W230*) alteration, located in exon 7 (coding exon 7) of the ALG8 gene, consists of a G to A substitution at nucleotide position 689. This changes the amino acid from a tryptophan (W) to a stop codon at amino acid position 230. This alteration is expected to result in loss of function by premature protein truncation or nonsense-mediated mRNA decay. This variant was not reported in population-based cohorts in the Genome Aggregation Database (gnomAD). Based on the available evidence, this alteration is classified as pathogenic.